The following is an entry in ClinVar:

NM_013372.7(GREM1):c.98T>C (p.Ile33Thr)

Gene: GREM1 (gremlin 1, DAN family BMP antagonist; plus strand). Cytogenetic location: 15q13.3.
Variant type: single nucleotide variant.
Coding change: c.98T>C on transcript NM_013372.7 (MANE Select); coding-DNA position 98, T replaced by C.
Protein change: p.Ile33Thr; replaces isoleucine 33 with threonine.
Molecular consequence: missense variant. On other transcripts: intron variant (1).
Genome position (GRCh38, 1-based): chr15:32,730,788, T>C. VCF-style: chr15-32730788-T-C. GRCh37 (hg19) VCF-style: chr15-33022989-T-C.
Other names: c.98T>C, p.Ile33Thr (NM_001191323.2, NM_001368719.1); c.27+71T>C (NM_001191322.2); short protein forms I33T.
Identifiers: ClinVar variation 3522524 (VCV003522524.1).
Genomic context (GRCh38, chr15:32,730,788, plus strand): 5'-TCCTCTTGGGGACCCTGCTGCCGGCTGCTGAAGGGAAAAAGAAAGGGTCCCAAGGTGCCA[T>C]CCCCCCGCCAGACAAGGCCCAGCACAATGACTCAGAGCAGACTCAGTCGCCCCAGCAGCC-3'
Protein context (NP_037504.1, residues 23-43): EGKKKGSQGA[Ile33Thr]PPPDKAQHND

ClinVar aggregate classification (germline): Uncertain significance (1 of 4 stars; one submission).

Conditions:
Hereditary cancer-predisposing syndrome. Also called: Hereditary Cancer Syndrome; Hereditary neoplastic syndrome; Tumor predisposition; Neoplastic Syndromes, Hereditary. Identifiers: Orphanet 140162, MedGen C0027672, MeSH D009386, MONDO:0015356.

gnomAD v4.1: 1 of 1,613,368 alleles (0.000062%); highest among the groups gnomAD compares: Non-Finnish European, 0.000085%; no homozygotes.

Submission:

Ambry Genetics
Classification: Uncertain significance for Hereditary cancer-predisposing syndrome. Last evaluated: 2024-12-02. Review status: criteria provided, single submitter. Criteria: Ambry Variant Classification Scheme 2023. Collection method: clinical testing. Allele origin: germline.
Comment: The p.I33T variant (also known as c.98T>C), located in coding exon 1 of the GREM1 gene, results from a T to C substitution at nucleotide position 98. The isoleucine at codon 33 is replaced by threonine, an amino acid with similar properties. This amino acid position is conserved. In addition, the in silico prediction for this alteration is inconclusive. Based on the available evidence, the clinical significance of this variant remains unclear.